The following is an entry in ClinVar:

ClinVar aggregate classification (germline): Uncertain significance (1 of 4 stars; one submission).

Conditions:
Frontotemporal dementia and/or amyotrophic lateral sclerosis 1 (FTDALS1). Also called: Frontotemporal dementia with motor neuron disease 1; C9orf72 Frontotemporal Dementia and/or Amyotrophic Lateral Sclerosis. Identifiers: Orphanet 275872, MedGen C5779877, MONDO:0007105, OMIM 105550.
Paget disease of bone 2, early-onset (PDB2). Also called: Paget disease of bone 2. Identifiers: MedGen C4085251, MONDO:0011183, OMIM 602080.

Allele frequency attached by ClinVar (database versions not stated): gnomAD exomes below 0.00001; TOPMed 0.00001.
gnomAD v4.1: 7 of 1,614,094 alleles (0.00043%); highest among the groups gnomAD compares: Admixed American, 0.0033%; no homozygotes.

Submission:

Labcorp Genetics (formerly Invitae), Labcorp
Classification: Uncertain significance for Paget disease of bone 2, early-onset; Frontotemporal dementia and/or amyotrophic lateral sclerosis 1. Last evaluated: 2025-06-17. Review status: criteria provided, single submitter. Criteria: Invitae Variant Classification Sherloc (09022015). Collection method: clinical testing. Allele origin: germline.
Comment: This sequence change replaces aspartic acid, which is acidic and polar, with glycine, which is neutral and non-polar, at codon 256 of the SQSTM1 protein (p.Asp256Gly). This variant is present in population databases (no rsID available, gnomAD 0.006%). This variant has not been reported in the literature in individuals affected with SQSTM1-related conditions. ClinVar contains an entry for this variant (Variation ID: 850973). Invitae Evidence Modeling of protein sequence and biophysical properties (such as structural, functional, and spatial information, amino acid conservation, physicochemical variation, residue mobility, and thermodynamic stability) has been performed for this missense variant. However, the output from this modeling did not meet the statistical confidence thresholds required to predict the impact of this variant on SQSTM1 protein function. In summary, the available evidence is currently insufficient to determine the role of this variant in disease. Therefore, it has been classified as a Variant of Uncertain Significance.

NM_003900.5(SQSTM1):c.767A>G (p.Asp256Gly)

Gene: SQSTM1 (sequestosome 1; plus strand). Cytogenetic location: 5q35.3.
Variant type: single nucleotide variant.
Coding change: c.767A>G on transcript NM_003900.5 (MANE Select); coding-DNA position 767, A replaced by G.
Protein change: p.Asp256Gly; replaces aspartic acid 256 with glycine.
Molecular consequence: missense variant.
Genome position (GRCh38, 1-based): chr5:179,833,044, A>G. VCF-style: chr5-179833044-A-G. GRCh37 (hg19) VCF-style: chr5-179260044-A-G.
Other names: c.515A>G, p.Asp172Gly (NM_001142298.2, NM_001142299.2); short protein forms D172G, D256G.
Identifiers: ClinVar variation 850973 (VCV000850973.7), dbSNP rs988411948, ClinGen allele CA133109135.